The following is an entry in ClinVar:

NM_005228.5(EGFR):c.3355C>T (p.Pro1119Ser)

Gene: EGFR (epidermal growth factor receptor; plus strand). Cytogenetic location: 7p11.2.
Variant type: single nucleotide variant.
Coding change: c.3355C>T on transcript NM_005228.5 (MANE Select); coding-DNA position 3355, C replaced by T.
Protein change: p.Pro1119Ser; replaces proline 1119 with serine.
Molecular consequence: missense variant.
Genome position (GRCh38, 1-based): chr7:55,205,339, C>T. VCF-style: chr7-55205339-C-T. GRCh37 (hg19) VCF-style: chr7-55273032-C-T.
Other names: c.2554C>T, p.Pro852Ser (NM_001346941.2); c.3220C>T, p.Pro1074Ser (NM_001346899.2); c.3196C>T, p.Pro1066Ser (NM_001346900.2); short protein forms P1066S, P1119S, P1074S, P852S.
Identifiers: ClinVar variation 967368 (VCV000967368.9), dbSNP rs868454218, ClinGen allele CA158940507.

ClinVar aggregate classification (germline): Uncertain significance. Review status: criteria provided, multiple submitters, no conflicts (2 of 4 stars). 2 submissions from 2 submitters: Uncertain significance (2). Last evaluated 2025-09-24.

Conditions:
Hereditary cancer-predisposing syndrome. Also called: Hereditary neoplastic syndrome; Neoplastic Syndromes, Hereditary; Hereditary Cancer Syndrome; Tumor predisposition. Identifiers: Orphanet 140162, MedGen C0027672, MeSH D009386, MONDO:0015356.
EGFR-related lung cancer (EGFR). Identifiers: MedGen CN130014.

Allele frequency attached by ClinVar (database versions not stated): gnomAD exomes 0.00001; gnomAD 0.00003 and 0.00004; TOPMed 0.00003.
gnomAD v4.1: 10 of 1,611,716 alleles (0.00062%); highest among the groups gnomAD compares: African/African-American, 0.013%; no homozygotes.

Submissions (2):

Labcorp Genetics (formerly Invitae), Labcorp
Classification: Uncertain significance for EGFR-related lung cancer. Last evaluated: 2025-09-24. Review status: criteria provided, single submitter. Criteria: Invitae Variant Classification Sherloc (09022015). Collection method: clinical testing. Allele origin: germline.
Comment: This sequence change replaces proline, which is neutral and non-polar, with serine, which is neutral and polar, at codon 1119 of the EGFR protein (p.Pro1119Ser). This variant is not present in population databases (gnomAD no frequency). This variant has not been reported in the literature in individuals affected with EGFR-related conditions. ClinVar contains an entry for this variant (Variation ID: 967368). An algorithm developed to predict the effect of missense changes on protein structure and function (PolyPhen-2) suggests that this variant is likely to be tolerated. In summary, the available evidence is currently insufficient to determine the role of this variant in disease. Therefore, it has been classified as a Variant of Uncertain Significance.

Ambry Genetics
Classification: Uncertain significance for Hereditary cancer-predisposing syndrome. Last evaluated: 2025-01-06. Review status: criteria provided, single submitter. Criteria: Ambry Variant Classification Scheme 2023. Collection method: clinical testing. Allele origin: germline.
Comment: The p.P1119S variant (also known as c.3355C>T), located in coding exon 28 of the EGFR gene, results from a C to T substitution at nucleotide position 3355. The proline at codon 1119 is replaced by serine, an amino acid with similar properties. This amino acid position is conserved. In addition, this alteration is predicted to be tolerated by in silico analysis. Based on the available evidence, the clinical significance of this variant remains unclear.